The following is an entry in ClinVar:

ClinVar aggregate classification (germline): Uncertain significance. Review status: criteria provided, multiple submitters, no conflicts (2 of 4 stars). 4 submissions from 4 submitters: Uncertain significance (3). 1 of the submissions does not count toward it. Last evaluated 2024-02-14.

Conditions:
Joubert syndrome. Also called: Familial aplasia of the vermis; CEREBELLOPARENCHYMAL DISORDER IV; JOUBERT-BOLTSHAUSER SYNDROME. Identifiers: Orphanet 475, MedGen C5979921, MONDO:0018772.
Meckel-Gruber syndrome. Also called: Dysencephalia splachnocystica; DYSENCEPHALIA SPLANCHNOCYSTICA; GRUBER SYNDROME. Identifiers: Orphanet 564, MedGen C0265215, MONDO:0018921.
Joubert syndrome 7 (JBTS7). Identifiers: Orphanet 220497, MedGen C1969053, MONDO:0012694, OMIM 611560.
Meckel syndrome, type 5 (MKS5). Identifiers: Orphanet 564, MedGen C1969052, MONDO:0012695, OMIM 611561.
COACH syndrome 3. Identifiers: MedGen C5436841, MONDO:0030862, OMIM 619113.

Allele frequency attached by ClinVar (database versions not stated): TOPMed 0.00002; gnomAD 0.00001.
gnomAD v4.1: 1 of 1,613,686 alleles (0.000062%); highest among the groups gnomAD compares: African/African-American, 0.0013%; no homozygotes.

Submissions (4):

Fulgent Genetics
Classification: Uncertain significance for Joubert syndrome 7; Meckel syndrome, type 5; COACH syndrome 3. Last evaluated: 2024-02-14. Review status: criteria provided, single submitter. Criteria: ACMG Guidelines, 2015. Collection method: clinical testing. Allele origin: germline.

GeneDx
Classification: Uncertain significance. Last evaluated: 2023-11-15. Review status: criteria provided, single submitter. Criteria: GeneDx Variant Classification Process June 2021. Collection method: clinical testing. Allele origin: germline. Affected: yes.
Comment: Not observed at significant frequency in large population cohorts (gnomAD); In silico analysis supports that this missense variant has a deleterious effect on protein structure/function; Has not been previously published as pathogenic or benign to our knowledge; This variant is associated with the following publications: (PMID: 36915689)

Labcorp Genetics (formerly Invitae), Labcorp
Classification: Uncertain significance for Joubert syndrome; Meckel-Gruber syndrome. Last evaluated: 2021-08-24. Review status: criteria provided, single submitter. Criteria: Invitae Variant Classification Sherloc (09022015). Collection method: clinical testing. Allele origin: germline.
Comment: This sequence change replaces leucine with histidine at codon 129 of the RPGRIP1L protein (p.Leu129His). The leucine residue is highly conserved and there is a moderate physicochemical difference between leucine and histidine. This variant is not present in population databases (ExAC no frequency). This variant has not been reported in the literature in individuals affected with RPGRIP1L-related conditions. Algorithms developed to predict the effect of missense changes on protein structure and function (SIFT, PolyPhen-2, Align-GVGD) all suggest that this variant is likely to be disruptive. In summary, the available evidence is currently insufficient to determine the role of this variant in disease. Therefore, it has been classified as a Variant of Uncertain Significance.

Natera, Inc.
Classification: Uncertain significance for Joubert syndrome. Last evaluated: 2021-08-06. Review status: no assertion criteria provided. Collection method: clinical testing. Allele origin: germline. Not counted in ClinVar's aggregate classification.

NM_015272.5(RPGRIP1L):c.386T>A (p.Leu129His)

Gene: RPGRIP1L (RPGRIP1 like; minus strand). Cytogenetic location: 16q12.2.
Variant type: single nucleotide variant.
Coding change: c.386T>A on transcript NM_015272.5 (MANE Select); coding-DNA position 386, T replaced by A.
Protein change: p.Leu129His; replaces leucine 129 with histidine.
Molecular consequence: missense variant.
Genome position (GRCh38, 1-based): chr16:53,692,209, A>T on the plus strand (T>A on the coding strand, the complement: RPGRIP1L is on the minus strand). VCF-style: chr16-53692209-A-T. GRCh37 (hg19) VCF-style: chr16-53726121-A-T.
Other names: c.386T>A (NM_015272.2); c.386T>A, p.Leu129His (NM_001127897.4, NM_001308334.3, NM_001330538.2); short protein forms L129H.
Identifiers: ClinVar variation 1058162 (VCV001058162.9), dbSNP rs927281262, ClinGen allele CA281375304.
Genomic context (GRCh38, chr16:53,692,209, plus strand): 5'-GGAGTTTGCCTGTAACCCTGGGTTTGAAGTTGCTGTTTGGCTGAAATCAGTCTGTTTTTG[A>T]GGGTTTCATTTTGTTTTTCAAGCTCATGAACTTTCTCTTGCAGCTGCTCAATCATTTCTT-3'
Protein context (NP_056087.2, residues 119-139): VHELEKQNET[Leu129His]KNRLISAKQQ